The following is an entry in ClinVar:

ClinVar aggregate classification (germline): Uncertain significance (1 of 4 stars; one submission).

Conditions:
Hereditary spastic paraplegia 11. Also called: SPASTIC PARAPLEGIA, AUTOSOMAL RECESSIVE, COMPLICATED, WITH THIN CORPUS CALLOSUM; SPASTIC PARAPLEGIA, AUTOSOMAL RECESSIVE, WITH MENTAL IMPAIRMENT AND THIN CORPUS CALLOSUM; Spastic Paraplegia 11; Nakamura Osame syndrome; Autosomal recessive hereditary spastic paraplegia, mental impairment, and thin corpus callosum; Spastic paraplegia, mental retardation and thin corpus callosum. Identifiers: Orphanet 2822, MedGen C1858479, MONDO:0011445, OMIM 604360.

gnomAD v4.1: 1 of 1,614,158 alleles (0.000062%); no homozygotes.

Submission:

Labcorp Genetics (formerly Invitae), Labcorp
Classification: Uncertain significance for Hereditary spastic paraplegia 11. Last evaluated: 2018-11-21. Review status: criteria provided, single submitter. Criteria: Invitae Variant Classification Sherloc (09022015). Collection method: clinical testing. Allele origin: germline.
Comment: In summary, the available evidence is currently insufficient to determine the role of this variant in disease. Therefore, it has been classified as a Variant of Uncertain Significance. Algorithms developed to predict the effect of missense changes on protein structure and function are either unavailable or do not agree on the potential impact of this missense change (SIFT: "Deleterious"; PolyPhen-2: "Probably Damaging"; Align-GVGD: "Class C15"). This variant has not been reported in the literature in individuals with SPG11-related disease. This variant is not present in population databases (ExAC no frequency). This sequence change replaces proline with leucine at codon 1397 of the SPG11 protein (p.Pro1397Leu). The proline residue is highly conserved and there is a moderate physicochemical difference between proline and leucine.

NM_025137.4(SPG11):c.4190C>T (p.Pro1397Leu)

Genes: SPG11 (SPG11 vesicle trafficking associated, spatacsin; minus strand), LOC130056973 (ATAC-STARR-seq lymphoblastoid active region 9341; plus strand). Cytogenetic location: 15q21.1.
Variant type: single nucleotide variant.
Coding change: c.4190C>T on transcript NM_025137.4 (MANE Select); coding-DNA position 4190, C replaced by T.
Protein change: p.Pro1397Leu; replaces proline 1397 with leucine.
Molecular consequence: missense variant.
Genome position (GRCh38, 1-based): chr15:44,596,327, G>A on the plus strand (C>T on the coding strand, the complement: SPG11 is on the minus strand). VCF-style: chr15-44596327-G-A. GRCh37 (hg19) VCF-style: chr15-44888525-G-A.
Other names: c.4190C>T, p.Pro1397Leu (NM_001160227.2); short protein forms P1397L.
Identifiers: ClinVar variation 641181 (VCV000641181.7), dbSNP rs1595860601, ClinGen allele CA392228573.